The following is an entry in ClinVar:

ClinVar aggregate classification (germline): Uncertain significance (1 of 4 stars; one submission).

Conditions:
Noonan syndrome 9 (NS9). Identifiers: Orphanet 648, MedGen C4225282, MONDO:0014691, OMIM 616559.

Submission:

Labcorp Genetics (formerly Invitae), Labcorp
Classification: Uncertain significance for Noonan syndrome 9. Last evaluated: 2024-08-30. Review status: criteria provided, single submitter. Criteria: Invitae Variant Classification Sherloc (09022015). Collection method: clinical testing. Allele origin: germline.
Comment: This sequence change replaces isoleucine, which is neutral and non-polar, with methionine, which is neutral and non-polar, at codon 1014 of the SOS2 protein (p.Ile1014Met). This variant is not present in population databases (gnomAD no frequency). This variant has not been reported in the literature in individuals affected with SOS2-related conditions. ClinVar contains an entry for this variant (Variation ID: 1382280). Invitae Evidence Modeling of protein sequence and biophysical properties (such as structural, functional, and spatial information, amino acid conservation, physicochemical variation, residue mobility, and thermodynamic stability) indicates that this missense variant is expected to disrupt SOS2 protein function with a positive predictive value of 80%. In summary, the available evidence is currently insufficient to determine the role of this variant in disease. Therefore, it has been classified as a Variant of Uncertain Significance.

NM_006939.4(SOS2):c.3042T>G (p.Ile1014Met)

Gene: SOS2 (SOS Ras/Rho guanine nucleotide exchange factor 2; minus strand). Cytogenetic location: 14q21.3.
Variant type: single nucleotide variant.
Coding change: c.3042T>G on transcript NM_006939.4 (MANE Select); coding-DNA position 3042, T replaced by G.
Protein change: p.Ile1014Met; replaces isoleucine 1014 with methionine.
Molecular consequence: missense variant.
Genome position (GRCh38, 1-based): chr14:50,134,156, A>C on the plus strand (T>G on the coding strand, the complement: SOS2 is on the minus strand). VCF-style: chr14-50134156-A-C. GRCh37 (hg19) VCF-style: chr14-50600874-A-C.
Other names: short protein forms I1014M.
Identifiers: ClinVar variation 1382280 (VCV001382280.8), dbSNP rs1447097552, ClinGen allele CA389641615.